The following is an entry in ClinVar:

NM_138694.4(PKHD1):c.6777C>T (p.Phe2259=)

Gene: PKHD1 (PKHD1 ciliary IPT domain containing fibrocystin/polyductin; minus strand). Cytogenetic location: 6p12.2.
Variant type: single nucleotide variant.
Coding change: c.6777C>T on transcript NM_138694.4 (MANE Select); coding-DNA position 6777, C replaced by T.
Protein change: p.Phe2259=; no amino-acid change (phenylalanine 2259 retained).
Molecular consequence: synonymous variant.
Genome position (GRCh38, 1-based): chr6:51,906,246, G>A on the plus strand (C>T on the coding strand, the complement: PKHD1 is on the minus strand). VCF-style: chr6-51906246-G-A. GRCh37 (hg19) VCF-style: chr6-51771044-G-A.
Other names: p.Phe2259=; c.6777C>T, p.Phe2259= (NM_170724.3).
Identifiers: ClinVar variation 167484 (VCV000167484.58), dbSNP rs140065359, ClinGen allele CA180308.

ClinVar aggregate classification (germline): Conflicting classifications of pathogenicity. Review status: criteria provided, conflicting classifications (1 of 4 stars). 10 submissions from 10 submitters: Uncertain significance (1); Benign (3); Likely benign (4). 2 of the submissions do not count toward it. Last evaluated 2026-08-01.

Conditions:
Autosomal recessive polycystic kidney disease (ARPKD). Also called: AR polycystic kidney disease. Identifiers: Orphanet 731, Orphanet 8378, MedGen C0085548, MeSH D017044, MONDO:0009889.
Polycystic kidney disease. Also called: Kidney, Polycystic; Polycystic kidney dysplasia. Identifiers: MedGen C0022680, MeSH D007690, MONDO:0020642, HP:0000113.

Allele frequency attached by ClinVar (database versions not stated): ESP Exome Variant Server 0.00408; gnomAD 0.00467 and 0.00482; gnomAD exomes 0.00493 and 0.00503; ExAC 0.00529; 1000 Genomes Project 30x 0.00219; 1000 Genomes Project 0.00220; TOPMed 0.00288.
gnomAD v4.1: 7,848 of 1,611,740 alleles (0.49%); highest among the groups gnomAD compares: Non-Finnish European, 0.54%; 37 homozygotes.

Submissions (10):

CeGaT Center for Human Genetics Tuebingen
Classification: Likely benign. Last evaluated: 2026-08-01. Review status: criteria provided, single submitter. Criteria: CeGaT Center For Human Genetics Tuebingen Variant Classification Criteria Version 2. Collection method: clinical testing. Allele origin: germline. Affected: yes. Observed: 13 variant alleles.
Comment: PKHD1: BP4, BP7, BS2

Labcorp Genetics (formerly Invitae), Labcorp
Classification: Benign for Autosomal recessive polycystic kidney disease. Last evaluated: 2026-02-01. Review status: criteria provided, single submitter. Criteria: Invitae Variant Classification Sherloc (09022015). Collection method: clinical testing. Allele origin: germline.

Mayo Clinic Laboratories, Mayo Clinic
Classification: Likely benign. Last evaluated: 2025-09-06. Review status: criteria provided, single submitter. Criteria: ACMG Guidelines, 2015. Collection method: clinical testing. Allele origin: germline. Observed: 2 variant alleles.
Comment: BS1, BP4, BP7

Blueprint Genetics
Classification: Likely benign. Last evaluated: 2024-11-26. Review status: criteria provided, single submitter. Criteria: ACMG Guidelines, 2015. Collection method: clinical testing. Allele origin: germline.

GeneDx
Classification: Likely benign. Last evaluated: 2020-11-27. Review status: criteria provided, single submitter. Criteria: GeneDx Variant Classification Process June 2021. Collection method: clinical testing. Allele origin: germline. Affected: yes.

Illumina Laboratory Services, Illumina
Classification: Uncertain significance for Polycystic kidney disease 4. Last evaluated: 2018-01-12. Review status: criteria provided, single submitter. Criteria: ICSL Variant Classification Criteria 13 December 2019. Collection method: clinical testing. Allele origin: germline.

Women's Health and Genetics/Laboratory Corporation of America, LabCorp
Classification: Benign. Last evaluated: 2017-12-21. Review status: criteria provided, single submitter. Criteria: LabCorp Variant Classification Summary - May 2015. Collection method: clinical testing. Allele origin: germline.
Comment: Variant summary: The PKHD1 c.6777C>T (p.Phe2259Phe) variant involves the alteration of a non-conserved nucleotide, resulting in a synonymous change. One in silico tool predicts a damaging outcome for this variant. 4/5 splice prediction tools predict no significant impact on normal splicing. ESE finder predicts that this variant may affect ESE site of SC35. However, these predictions have yet to be confirmed by functional studies. This variant was found in 1516/276908 control chromosomes (12 homozygotes), predominantly observed in the European (Finnish) subpopulation at a frequency of 0.014629 (377/25770). This frequency is about 2 times the estimated maximal expected allele frequency of a pathogenic PKHD1 variant (0.0070711), suggesting this is likely a benign polymorphism found primarily in the populations of European (Finnish) origin. In addition, multiple clinical diagnostic laboratories/reputable databases classified this variant as benign. Taken together, by applying ACMG rules (BS1, BS2, BP6, BP7) this variant is classified as benign.

Eurofins Ntd Llc (ga)
Classification: Benign. Last evaluated: 2014-01-17. Review status: criteria provided, single submitter. Criteria: EGL Classification Definitions 2015. Collection method: clinical testing. Allele origin: germline. Observed: 1 variant allele, 1 heterozygote.

Natera, Inc.
Classification: Benign for Autosomal recessive polycystic kidney disease. Last evaluated: 2017-05-11. Review status: no assertion criteria provided. Collection method: clinical testing. Allele origin: germline. Not counted in ClinVar's aggregate classification.

Department of Pathology and Laboratory Medicine, Sinai Health System
Classification: Benign for Polycystic Kidney disease. Review status: no assertion criteria provided. Collection method: clinical testing. Allele origin: unknown. Affected: yes. Study: The Canadian Open Genetics Repository (COGR). Not counted in ClinVar's aggregate classification.
Comment: The PKHD1 p.Phe2259= variant was identified in at least 1 of 252 proband chromosomes (frequency: 0.004) from individuals or families with ARPKD and was present in 1 of 400 control chromosomes (frequency: 0.0025) from healthy individuals (Bergmann_2005_15698423). The variant was also identified in dbSNP (ID: rs140065359) â€šÃ„ÃºWith other alleleâ€šÃ„Ã¹, ClinVar (classified with conflicting interpretations of pathogenicity; submitters: benign by EGL Genetic Diagnostics (Eurofins Clinical Diagnostics) and Invitae, and uncertain signficance by Illumina), and RWTH AAachen University ARPKD database (as unclassified); and not identified in GeneInsight-COGR and LOVD 3.0. The variant was identified in control databases in 1515 (12 homozygous) of 276508 chromosomes at a frequency of 0.005 increasing the likelihood this could be a low frequency benign variant (Genome Aggregation Database Feb 27, 2017). Breakdown of the observations by population include African in 13 of 24020 chromosomes (freq: 0.0005), Other in 41 (1 homozygous) of 6442 chromosomes (freq: 0.006), Latino in 84 of 34304 chromosomes (freq: 0.002), European Non-Finnish in 958 (8 homozygous) of 126228 chromosomes (freq: 0.008), Ashkenazi Jewish in 40 of 10134 chromosomes (freq: 0.004), European Finnish in 377 (3 homozygous) of 25770 chromosomes (freq: 0.01463), and South Asian in 2 of 30774 chromosomes (freq: 0.00007), and was not observed in the East Asian population. The p.Phe2259= variant is not expected to have clinical significance because it does not result in a change of amino acid and is not located in a known consensus splice site. 1 of 5 in silico or computational prediction software programs (SpliceSiteFinder, MaxEntScan, NNSPLICE, GeneSplicer, HumanSpliceFinder) predict a greater than 10% difference in splicing; this is not very predictive of pathogenicity. In summary, based on the above information this variant meets our laboratory criteria to be classified as benign.

Literature cited by the submitters: PubMed 15698423 (cited by Mayo Clinic Laboratories, Mayo Clinic and Women's Health and Genetics/Laboratory Corporation of America, LabCorp).